The following is an entry in ClinVar:

ClinVar aggregate classification (germline): Uncertain significance (1 of 4 stars; one submission).

Submission:

Labcorp Genetics (formerly Invitae), Labcorp
Classification: Uncertain significance. Last evaluated: 2025-01-27. Review status: criteria provided, single submitter. Criteria: Invitae Variant Classification Sherloc (09022015). Collection method: clinical testing. Allele origin: germline.
Comment: This sequence change replaces glutamic acid, which is acidic and polar, with leucine, which is neutral and non-polar, at codon 1819 of the SPTB protein (p.Glu1819Leu). This variant is present in population databases (no rsID available, gnomAD 0.01%). This variant has not been reported in the literature in individuals affected with SPTB-related conditions. An algorithm developed to predict the effect of missense changes on protein structure and function (PolyPhen-2) suggests that this variant is likely to be disruptive. In summary, the available evidence is currently insufficient to determine the role of this variant in disease. Therefore, it has been classified as a Variant of Uncertain Significance.

NM_001355436.2(SPTB):c.5455_5456delinsTT (p.Glu1819Leu)

Gene: SPTB (spectrin beta, erythrocytic; minus strand). Cytogenetic location: 14q23.3.
Variant type: Indel.
Coding change: c.5455_5456delinsTT on transcript NM_001355436.2 (MANE Select); coding-DNA positions 5455 to 5456, GA replaced by TT.
Protein change: p.Glu1819Leu; replaces glutamic acid 1819 with leucine.
Molecular consequence: missense variant.
Genome position (GRCh38, 1-based): chr14:64,772,677-64,772,678, TC replaced by AA on the plus strand (GA replaced by TT on the coding strand, the reverse complement: SPTB is on the minus strand). VCF-style: chr14-64772677-TC-AA. GRCh37 (hg19) VCF-style: chr14-65239395-TC-AA.
Other names: c.5455_5456delinsTT, p.Glu1819Leu (NM_001024858.4, NM_001355437.2); short protein forms E1819L.
Identifiers: ClinVar variation 3714921 (VCV003714921.2).
Genomic context (GRCh38, chr14:64,772,677, plus strand): 5'-GTGTGCACCCGGTGGAAGGACTCGGCCGTGCTGGCGTCCAGCCCCACGTCCTCGGGCAGC[TC>AA]GCGGTGCTTCTCGTCGATGAGGCCCAGGATCTCGGCACCCGTGTAGAAGTAGCGGTGCAG-3'
Protein context (NP_001342365.1, residues 1809-1829): ILGLIDEKHR[Glu1819Leu]LPEDVGLDAS